The following is an entry in ClinVar:

NM_000202.8(IDS):c.474del (p.His159fs)

Genes: IDS (iduronate 2-sulfatase; minus strand), LOC106050102 (IDS recombination region; plus strand). Cytogenetic location: Xq28.
Variant type: Deletion.
Coding change: c.474del on transcript NM_000202.8 (MANE Select); coding-DNA position 474, one base deleted (T; older notation c.474delT).
Protein change: p.His159fs; shifts the reading frame from histidine 159.
Molecular consequence: frameshift variant. On other transcripts: non-coding transcript variant (1).
Genome position (GRCh38, 1-based): chrX:149,500,982, A deleted on the plus strand (T on the coding strand, the reverse complement: IDS is on the minus strand). VCF-style (leftmost placement, unchanged base first): chrX-149500981-GA-G. GRCh37 (hg19) VCF-style: chrX-148582512-GA-G.
Other names: c.204del, p.His69fs (NM_001166550.4); c.474del, p.His159fs (NM_006123.5); short protein forms H159fs, H69fs.
Identifiers: ClinVar variation 997037 (VCV000997037.3), dbSNP rs2124055341, ClinGen allele CA2499226424.

ClinVar aggregate classification (germline): Pathogenic. Review status: criteria provided, multiple submitters, no conflicts (2 of 4 stars). 2 submissions from 2 submitters: Pathogenic (2). Last evaluated 2024-06-07.

Conditions:
Mucopolysaccharidosis, MPS-II (MPS2). Also called: Mucopolysaccharidosis type 2; Hunter Syndrome; IDURONATE 2-SULFATASE DEFICIENCY; Mucopolysaccharidosis Type II; IDS deficiency; Sulfoiduronate sulfatase deficiency. Identifiers: Orphanet 580, Orphanet 79388, MedGen C0026705, MONDO:0010674, OMIM 309900.

Submissions (2):

Laboratory of Diagnosis and Therapy of Lysosomal Disorders, University of Padova
Classification: Pathogenic for Mucopolysaccharidosis, MPS-II. Last evaluated: 2024-06-07. Review status: criteria provided, single submitter. Criteria: ACMG Guidelines, 2015. Collection method: literature only. Allele origin: germline. Affected: yes. Observed: 1 variant allele.
Comment: Null variant (PVS1_VeryStrong), Absent from controls (or at low frequency) in gnomAD database (PM2_Moderate), Patient’s phenotype or family history highly specific for the disease (PP4_Moderate)

Classification method: ACMG Guidelines [PMID:25741868] with modifications

Department of Medical Genetics, Sanjay Gandhi Post Graduate Institute of Medical Sciences
Classification: Pathogenic for Mucopolysaccharidosis, MPS-II. Review status: criteria provided, single submitter. Criteria: ACMG Guidelines, 2015. Collection method: clinical testing. Allele origin: germline. Inheritance: X-linked recessive inheritance. Affected: yes. Observed: 1 variant allele, 1 hemizygote.

Literature cited by the submitters: PubMed 35144014 (cited by Laboratory of Diagnosis and Therapy of Lysosomal Disorders, University of Padova).